The following is an entry in ClinVar:

ClinVar aggregate classification (germline): Uncertain significance (1 of 4 stars; one submission).

Conditions:
Familial thoracic aortic aneurysm and aortic dissection (TAAD). Also called: Thoracic aortic aneurysms and dissections. Identifiers: Orphanet 91387, MedGen C4707243, MONDO:0019625.

Submission:

Ambry Genetics
Classification: Uncertain significance for Familial thoracic aortic aneurysm and aortic dissection. Last evaluated: 2024-12-17. Review status: criteria provided, single submitter. Criteria: Ambry Variant Classification Scheme 2023. Collection method: clinical testing. Allele origin: germline.
Comment: The p.D2212V variant (also known as c.6635A>T), located in coding exon 34 of the NOTCH1 gene, results from an A to T substitution at nucleotide position 6635. The aspartic acid at codon 2212 is replaced by valine, an amino acid with highly dissimilar properties. This amino acid position is conserved. In addition, this alteration is predicted to be deleterious by in silico analysis. Based on the available evidence, the clinical significance of this variant remains unclear.

NM_017617.5(NOTCH1):c.6635A>T (p.Asp2212Val)

Gene: NOTCH1 (notch receptor 1; minus strand). Cytogenetic location: 9q34.3.
Variant type: single nucleotide variant.
Coding change: c.6635A>T on transcript NM_017617.5 (MANE Select); coding-DNA position 6635, A replaced by T.
Protein change: p.Asp2212Val; replaces aspartic acid 2212 with valine.
Molecular consequence: missense variant.
Genome position (GRCh38, 1-based): chr9:136,497,104, T>A on the plus strand (A>T on the coding strand, the complement: NOTCH1 is on the minus strand). VCF-style: chr9-136497104-T-A. GRCh37 (hg19) VCF-style: chr9-139391556-T-A.
Other names: short protein forms D2212V.
Identifiers: ClinVar variation 3880472 (VCV003880472.1).